The following is an entry in ClinVar:

NM_000312.4(PROC):c.925G>A (p.Ala309Thr)

Gene: PROC (protein C, inactivator of coagulation factors Va and VIIIa; plus strand). Cytogenetic location: 2q14.3.
Variant type: single nucleotide variant.
Coding change: c.925G>A on transcript NM_000312.4 (MANE Select); coding-DNA position 925, G replaced by A.
Protein change: p.Ala309Thr; replaces alanine 309 with threonine.
Molecular consequence: missense variant.
Genome position (GRCh38, 1-based): chr2:127,428,485, G>A. VCF-style: chr2-127428485-G-A. GRCh37 (hg19) VCF-style: chr2-128186061-G-A.
Other names: A267T; c.1108G>A, p.Ala370Thr (NM_001375602.1); c.1090G>A, p.Ala364Thr (NM_001375603.1); c.988G>A, p.Ala330Thr (NM_001375604.1); c.1027G>A, p.Ala343Thr (NM_001375605.1); c.1093G>A, p.Ala365Thr (NM_001375606.1); c.1111G>A, p.Ala371Thr (NM_001375607.1); c.868G>A, p.Ala290Thr (NM_001375608.1); and 3 more; short protein forms A309T, A290T, A301T, A307T, A330T, A343T, A364T, A365T.
Identifiers: ClinVar variation 662 (VCV000000662.18), dbSNP rs121918146, ClinGen allele CA114396.

ClinVar aggregate classification (germline): Pathogenic/Likely pathogenic. Review status: criteria provided, multiple submitters, no conflicts (2 of 4 stars). 9 submissions from 9 submitters: Pathogenic (6); Likely pathogenic (1). 2 of the submissions do not count toward it. Last evaluated 2026-08-12.

Conditions:
PROC-related disorder. Also called: PROC-related condition.
Hereditary thrombophilia due to congenital protein C deficiency. Identifiers: Orphanet 745, MedGen C0598221, MONDO:0019145.
Thrombophilia due to protein C deficiency, autosomal dominant. Also called: PROC DEFICIENCY, AUTOSOMAL DOMINANT; PROTEIN C DEFICIENCY, AUTOSOMAL DOMINANT. Identifiers: Orphanet 745, MedGen C2674321, MONDO:0008316, OMIM 176860. Disease mechanism: loss of function.
Thrombophilia due to protein C deficiency, autosomal recessive. Also called: PROC DEFICIENCY, AUTOSOMAL RECESSIVE; PROTEIN C DEFICIENCY, AUTOSOMAL RECESSIVE. Identifiers: Orphanet 745, MedGen C2676759, MONDO:0012860, OMIM 612304.

Allele frequency attached by ClinVar (database versions not stated): gnomAD exomes 0.00001; TOPMed 0.00003; ExAC 0.00002; gnomAD 0.00002.
gnomAD v4.1: 36 of 1,613,974 alleles (0.0022%); highest among the groups gnomAD compares: African/African-American, 0.0027%; no homozygotes.

Submissions (9):

PreventionGenetics, part of Exact Sciences
Classification: Pathogenic for PROC-related condition. Last evaluated: 2026-08-12. Review status: criteria provided, single submitter. Criteria: ACMG Guidelines, 2015. Collection method: clinical testing. Allele origin: germline.
Comment: The PROC c.925G>A variant is predicted to result in the amino acid substitution p.Ala309Thr. In the literature, this variant is also referred to as Ala267Thr. This variant has been reported in the heterozygous and homozygous states individuals with protein C deficiency (Conard et al. 1992. PubMed ID: 1347608; Rovida et al. 2007. PubMed ID: 17152060; Tjeldhorn et al. 2009. PubMed ID: 19535131; Wypasek et al. 2017. PubMed ID: 28607330). Functional studies have shown that this variant alters PROC protein function (Tjeldhorn et al. 2010. PubMed ID: 20815936; Tjeldhorn et al. 2011. PubMed ID: 21901152). This variant is reported in 0.0023% of alleles in individuals of European (Non-Finnish) descent in gnomAD and is reported as pathogenic/likely pathogenic in ClinVar (Variation ID: 662). This variant is interpreted as pathogenic.

Labcorp Genetics (formerly Invitae), Labcorp
Classification: Pathogenic for Thrombophilia due to protein C deficiency, autosomal dominant. Last evaluated: 2025-04-11. Review status: criteria provided, single submitter. Criteria: Invitae Variant Classification Sherloc (09022015). Collection method: clinical testing. Allele origin: germline.
Comment: This sequence change replaces alanine, which is neutral and non-polar, with threonine, which is neutral and polar, at codon 309 of the PROC protein (p.Ala309Thr). This variant is present in population databases (rs121918146, gnomAD 0.002%). This missense change has been observed in individuals with protein C deficiency (PMID: 1347608, 17152060, 19535131, 28607330). It has also been observed to segregate with disease in related individuals. This variant is also known as Ala267Thr. ClinVar contains an entry for this variant (Variation ID: 662). Invitae Evidence Modeling of protein sequence and biophysical properties (such as structural, functional, and spatial information, amino acid conservation, physicochemical variation, residue mobility, and thermodynamic stability) indicates that this missense variant is not expected to disrupt PROC protein function with a negative predictive value of 80%. Experimental studies have shown that this missense change affects PROC function (PMID: 20815936, 21901152). For these reasons, this variant has been classified as Pathogenic.

Mayo Clinic Laboratories, Mayo Clinic
Classification: Pathogenic. Last evaluated: 2024-05-20. Review status: criteria provided, single submitter. Criteria: ACMG Guidelines, 2015. Collection method: clinical testing. Allele origin: germline. Observed: 1 variant allele.
Comment: PP1_strong, PP5, PM1_supporting, PM2_moderate, PM3, PS3, PS4_moderate

Blueprint Genetics
Classification: Pathogenic for PROC-related disorders. Last evaluated: 2021-07-11. Review status: criteria provided, single submitter. Criteria: ACMG Guidelines, 2015. Collection method: clinical testing. Allele origin: germline. Affected: yes. Observed: 1 variant allele.

Illumina Laboratory Services, Illumina
Classification: Pathogenic for Hereditary thrombophilia due to congenital protein C deficiency. Last evaluated: 2017-06-26. Review status: criteria provided, single submitter. Criteria: ICSLVariantClassificationCriteria RUGD 01 April 2020. Collection method: clinical testing. Allele origin: unknown.
Comment: The PROC c.925G>A (p.Ala309Thr) variant, also known as p.Ala267Thr, has been reported in at least four studies in 13 individuals with protein C deficiency including six individuals in a homozygous state (of which five are related) and one individual in a compound heterozygous state (Conard et al. 1992; Gandrille et al. 1995; Loop et al. 2004; Tjeldhorn et al. 2010a). Several reported patients experienced episodes of skin necrosis following treatments with anticoagulants (Conard et al. 1992; Loop et al. 2004; Tjeldhorn et al. 2010a). The p.Ala309Thr variant was reported in a heterozygous state in six individuals from three families, including four individuals with no overt clinical symptoms but reduced protein C activity and one individual described as symptomatic but with no further clinical details provided. Reported individuals heterozygous for the p.Ala309Thr variant had a protein C activity ranging from 45 to 63 percent of normal, while individuals homozygous or compound heterozygous for the variant displayed more significant reduction, as low a three percent (Loop et al. 2004; Tjeldhorn et al. 2010a). Expression analysis in CHO and Huh7 cells found pAla309Thr demonstrated reduced intracellular levels, impaired secretion, and altered localization with inefficient transport compared to WT (Tjeldhorn et al. 2010b). A subsequent study by Tjeldhorn et al. found p.Ala309Thr to be associated with increased ER stress and unfolded protein response (UPR), which were associated with increased apoptotic activity in cells (Tjeldhorn et al. 2011). Using 4-phenylbutyrate (PBA) on CHO cells expressing p.Ala309Thr secretion was improved, localization was altered to the cytoplasm using the GRASP55 pathway (Chollet et al. 2015). The p.Ala309Thr variant was absent from 140 control chromosomes and is reported at a frequency of 0.000024 in the European (non-Finnish) population of the Genome Aggregation Database. Based on the available evidence, the p.Ala309Thr variant is classified as pathogenic for protein C deficiency.

ISTH-SSC Genomics in Thrombosis and Hemostasis, KU Leuven, Center for Molecular and Vascular Biology
Classification: Likely pathogenic for Thrombophilia due to protein C deficiency, autosomal dominant. Review status: criteria provided, single submitter. Criteria: ACMG Guidelines, 2015. Collection method: clinical testing. Allele origin: unknown. Affected: yes. Observed: 2 heterozygotes, 1 compound heterozygote. Clinical features observed: Pulmonary embolism, low protein C.
Comment: GoldVariant submitter: Kathleen Freson Center for Molecular and Vascular Biology, Leuven, Belgium

Juno Genomics, Hangzhou Juno Genomics, Inc
Classification: Pathogenic for Thrombophilia due to protein C deficiency, autosomal dominant; Thrombophilia due to protein C deficiency, autosomal recessive. Review status: criteria provided, single submitter. Criteria: ACMG Guidelines, 2015. Collection method: clinical testing. Allele origin: germline.
Comment: Absent from controls (or at extremely low frequency if recessive) in Genome Aggregation Database.;The prevalence of the variant in affected individuals is significantly increased compared to the prevalence in controls.;For recessive disorders, detected in trans with a pathogenic variant.;Patient's phenotype or family history is highly specific for a disease with a single genetic etiology.;Co-segregation with disease in multiple affected family members.;Well-established in vitro or in vivo functional studies supportive of a damaging effect on the gene or gene product.

Zotz-Klimas Genetics Lab, MVZ Zotz Klimas
Classification: Pathogenic for Thrombophilia due to protein C deficiency, autosomal dominant. Last evaluated: 2023-10-09. Review status: no assertion criteria provided. Collection method: clinical testing. Allele origin: germline. Affected: yes. Not counted in ClinVar's aggregate classification.

OMIM
Classification: Pathogenic for THROMBOPHILIA DUE TO PROTEIN C DEFICIENCY, AUTOSOMAL RECESSIVE. Last evaluated: 1992-03-21. Review status: no assertion criteria provided. Collection method: literature only. Allele origin: germline. Not counted in ClinVar's aggregate classification.

Literature cited by the submitters: PubMed 1347608 (cited by 3 submitters); PubMed 17152060 (cited by Labcorp Genetics (formerly Invitae), Labcorp and Mayo Clinic Laboratories, Mayo Clinic); PubMed 19535131 (cited by Labcorp Genetics (formerly Invitae), Labcorp and Mayo Clinic Laboratories, Mayo Clinic); PubMed 28607330 (cited by Labcorp Genetics (formerly Invitae), Labcorp and Mayo Clinic Laboratories, Mayo Clinic); PubMed 20815936 (cited by Labcorp Genetics (formerly Invitae), Labcorp and Mayo Clinic Laboratories, Mayo Clinic); PubMed 21901152 (cited by Labcorp Genetics (formerly Invitae), Labcorp and Mayo Clinic Laboratories, Mayo Clinic); PubMed 25039884 (cited by Mayo Clinic Laboratories, Mayo Clinic); PubMed 31352677 (cited by Mayo Clinic Laboratories, Mayo Clinic); PubMed 33537542 (cited by Mayo Clinic Laboratories, Mayo Clinic); PubMed 34708097 (cited by Mayo Clinic Laboratories, Mayo Clinic); PubMed 34355501 (cited by ISTH-SSC Genomics in Thrombosis and Hemostasis, KU Leuven, Center for Molecular and Vascular Biology).